The following is an entry in ClinVar:

ClinVar aggregate classification (germline): Likely benign. Review status: criteria provided, multiple submitters, no conflicts (2 of 4 stars). 3 submissions from 3 submitters: Likely benign (2). 1 of the submissions does not count toward it. Last evaluated 2026-01-01.

Conditions:
ERBB4-related disorder. Also called: ERBB4-related condition.

Allele frequency attached by ClinVar (database versions not stated): ExAC 0.00002; TOPMed 0.00002; gnomAD 0.00005; 1000 Genomes Project 0.00020; 1000 Genomes Project 30x 0.00031.
gnomAD v4.1: 19 of 1,613,960 alleles (0.0012%); highest among the groups gnomAD compares: Middle Eastern, 0.083%; 1 homozygote.

Submissions (3):

CeGaT Center for Human Genetics Tuebingen
Classification: Likely benign. Last evaluated: 2026-01-01. Review status: criteria provided, single submitter. Criteria: CeGaT Center For Human Genetics Tuebingen Variant Classification Criteria Version 2. Collection method: clinical testing. Allele origin: germline. Affected: yes. Observed: 1 variant allele.
Comment: ERBB4: BP4, BP7

Labcorp Genetics (formerly Invitae), Labcorp
Classification: Likely benign. Last evaluated: 2022-04-21. Review status: criteria provided, single submitter. Criteria: Invitae Variant Classification Sherloc (09022015). Collection method: clinical testing. Allele origin: germline.

PreventionGenetics, part of Exact Sciences
Classification: Likely benign for ERBB4-related condition. Last evaluated: 2023-08-02. Review status: no assertion criteria provided. Collection method: clinical testing. Allele origin: germline. Not counted in ClinVar's aggregate classification.
Comment: This variant is classified as likely benign based on ACMG/AMP sequence variant interpretation guidelines (Richards et al. 2015 PMID: 25741868, with internal and published modifications).

NM_005235.3(ERBB4):c.2193G>A (p.Thr731=)

Gene: ERBB4 (erb-b2 receptor tyrosine kinase 4; minus strand). Cytogenetic location: 2q34.
Variant type: single nucleotide variant.
Coding change: c.2193G>A on transcript NM_005235.3 (MANE Select); coding-DNA position 2193, G replaced by A.
Protein change: p.Thr731=; no amino-acid change (threonine 731 retained).
Molecular consequence: synonymous variant.
Genome position (GRCh38, 1-based): chr2:211,623,931, C>T on the plus strand (G>A on the coding strand, the complement: ERBB4 is on the minus strand). VCF-style: chr2-211623931-C-T. GRCh37 (hg19) VCF-style: chr2-212488656-C-T.
Other names: c.2193G>A, p.Thr731= (NM_001042599.2).
Identifiers: ClinVar variation 2200541 (VCV002200541.9), dbSNP rs570149928, ClinGen allele CA2087829.